The following is an entry in ClinVar:

NM_001377.3(DYNC2H1):c.8454+3A>G

Gene: DYNC2H1 (dynein cytoplasmic 2 heavy chain 1; plus strand). Cytogenetic location: 11q22.3.
Variant type: single nucleotide variant.
Coding change: c.8454+3A>G on transcript NM_001377.3 (MANE Select); 3 bases into the intron after coding-DNA position 8454, A replaced by G.
Molecular consequence: intron variant.
Genome position (GRCh38, 1-based): chr11:103,204,967, A>G. VCF-style: chr11-103204967-A-G. GRCh37 (hg19) VCF-style: chr11-103075696-A-G.
Other names: c.8454+3A>G (NM_001080463.2).
Identifiers: ClinVar variation 4885686 (VCV004885686.2).

ClinVar aggregate classification (germline): Uncertain significance (1 of 4 stars; one submission).

gnomAD v4.1: 13 of 1,547,352 alleles (0.00084%); highest among the groups gnomAD compares: African/African-American, 0.0014%; no homozygotes.

Submission:

Dasa
Classification: Uncertain significance. Last evaluated: 2025-11-02. Review status: criteria provided, single submitter. Criteria: DASA Assertion Criteria. Collection method: clinical testing. Allele origin: germline.
Comment: NM_001377.3(DYNC2H1):c.8454+3A>G is a splice-region variant. This variant is rare in population databases. Computational prediction algorithms are consistent with a deleterious effect. The currently available literature and clinical evidence are not sufficient to establish a definitive association between this variant and the reported condition. Therefore, this variant is classified as a variant of uncertain significance.